The following is an entry in ClinVar:

ClinVar aggregate classification (germline): Uncertain significance (1 of 4 stars; one submission).

Conditions:
RP1L1-related disorder. Also called: RP1L1-related condition.

Submission:

PreventionGenetics, part of Exact Sciences
Classification: Uncertain significance for RP1L1-related condition. Last evaluated: 2026-04-27. Review status: criteria provided, single submitter. Criteria: ACMG Guidelines, 2015. Collection method: clinical testing. Allele origin: germline.
Comment: The RP1L1 c.2399C>G variant is predicted to result in the amino acid substitution p.Pro800Arg. To our knowledge, this variant has not been reported in the literature or in a large population database (gnomAD), indicating this variant is rare. At this time, the clinical significance of this variant is uncertain due to the absence of conclusive functional and genetic evidence.

NM_178857.6(RP1L1):c.2399C>G (p.Pro800Arg)

Gene: RP1L1 (RP1 like 1). Cytogenetic location: 8p23.1.
Variant type: single nucleotide variant.
Coding change: c.2399C>G on transcript NM_178857.6 (MANE Select); coding-DNA position 2399, C replaced by G.
Protein change: p.Pro800Arg; replaces proline 800 with arginine.
Molecular consequence: missense variant.
Genome position (GRCh38, 1-based): chr8:10,611,699, G>C on the plus strand (C>G on the coding strand, the complement: RP1L1 is on the minus strand). VCF-style: chr8-10611699-G-C. GRCh37 (hg19) VCF-style: chr8-10469209-G-C.
Other names: short protein forms P800R.
Identifiers: ClinVar variation 4988931 (VCV004988931.1).